The following is an entry in ClinVar:

NM_016363.5(GP6):c.665-5C>T

Gene: GP6 (glycoprotein VI platelet; minus strand). Cytogenetic location: 19q13.42.
Variant type: single nucleotide variant.
Coding change: c.665-5C>T on transcript NM_016363.5 (MANE Select); 5 bases into the intron before coding-DNA position 665, C replaced by T.
Molecular consequence: intron variant.
Genome position (GRCh38, 1-based): chr19:55,018,716, G>A on the plus strand (C>T on the coding strand, the complement: GP6 is on the minus strand). VCF-style: chr19-55018716-G-A. GRCh37 (hg19) VCF-style: chr19-55530084-G-A.
Other names: p.?; c.611-5C>T (NM_001256017.2); c.665-5C>T (NM_001083899.2).
Identifiers: ClinVar variation 2072279 (VCV002072279.6), dbSNP rs202078231, ClinGen allele CA310123462.

ClinVar aggregate classification (germline): Benign/Likely benign. Review status: criteria provided, multiple submitters, no conflicts (2 of 4 stars). 3 submissions from 3 submitters: Benign (2); Likely benign (1). Last evaluated 2026-02-01.

Allele frequency attached by ClinVar (database versions not stated): ESP Exome Variant Server 0.00074; gnomAD 0.00094; TOPMed 0.00097; 1000 Genomes Project 0.00200; 1000 Genomes Project 30x 0.00250.
gnomAD v4.1: 313 of 1,602,120 alleles (0.02%); highest among the groups gnomAD compares: African/African-American, 0.27%; no homozygotes.

Submissions (3):

Labcorp Genetics (formerly Invitae), Labcorp
Classification: Benign. Last evaluated: 2026-02-01. Review status: criteria provided, single submitter. Criteria: Invitae Variant Classification Sherloc (09022015). Collection method: clinical testing. Allele origin: germline.

Mayo Clinic Laboratories, Mayo Clinic
Classification: Likely benign. Last evaluated: 2025-07-30. Review status: criteria provided, single submitter. Criteria: ACMG Guidelines, 2015. Collection method: clinical testing. Allele origin: germline. Observed: 1 variant allele.
Comment: BP4, BP7

Women's Health and Genetics/Laboratory Corporation of America, LabCorp
Classification: Benign. Last evaluated: 2024-04-05. Review status: criteria provided, single submitter. Criteria: LabCorp Variant Classification Summary - May 2015. Collection method: clinical testing. Allele origin: germline.
Comment: Variant summary: GP6 c.665-5C>T alters a non-conserved nucleotide located close to a canonical splice site and therefore could affect mRNA splicing, leading to a significantly altered protein sequence. Consensus agreement among computation tools predict no significant impact on normal splicing. However, these predictions have yet to be confirmed by functional studies. The variant allele was found at a frequency of 0.00025 in 249588 control chromosomes, predominantly at a frequency of 0.0026 within the African or African-American subpopulation in the gnomAD database strongly suggesting that the variant is a benign polymorphism found primarily in populations of African or African-American origin. To our knowledge, no occurrence of c.665-5C>T in individuals affected with Platelet-Type Bleeding Disorder 11 and no experimental evidence demonstrating its impact on protein function have been reported. ClinVar contains an entry for this variant (Variation ID: 2072279). Based on the evidence outlined above, the variant was classified as benign.